The following is an entry in ClinVar:

ClinVar aggregate classification (germline): Likely benign (1 of 4 stars; one submission).

Submission:

CeGaT Center for Human Genetics Tuebingen
Classification: Likely benign. Last evaluated: 2023-03-01. Review status: criteria provided, single submitter. Criteria: CeGaT Center For Human Genetics Tuebingen Variant Classification Criteria Version 2. Collection method: clinical testing. Allele origin: germline. Affected: yes. Observed: 1 variant allele.
Comment: PHLPP1: PM2:Supporting, BP4, BP7

NM_194449.4(PHLPP1):c.90A>T (p.Ala30=)

Gene: PHLPP1 (PH domain and leucine rich repeat protein phosphatase 1; plus strand). Cytogenetic location: 18q21.33.
Variant type: single nucleotide variant.
Coding change: c.90A>T on transcript NM_194449.4 (MANE Select); coding-DNA position 90, A replaced by T.
Protein change: p.Ala30=; no amino-acid change (alanine 30 retained).
Molecular consequence: synonymous variant.
Genome position (GRCh38, 1-based): chr18:62,715,773, A>T. VCF-style: chr18-62715773-A-T. GRCh37 (hg19) VCF-style: chr18-60383006-A-T.
Identifiers: ClinVar variation 2648784 (VCV002648784.24), dbSNP rs1910701414, ClinGen allele CA504306134.